The following is an entry in ClinVar:

NM_000238.4(KCNH2):c.76+1dup

Gene: KCNH2 (potassium voltage-gated channel subfamily H member 2; minus strand). Cytogenetic location: 7q36.1.
Variant type: Duplication.
Coding change: c.76+1dup on transcript NM_000238.4 (MANE Select); the canonical splice donor site of the intron after coding-DNA position 76, one base duplicated (G; older notation c.76+1dupG).
Molecular consequence: splice donor variant.
Genome position (GRCh38, 1-based): chr7:150,977,837, C duplicated on the plus strand (G on the coding strand, the reverse complement: KCNH2 is on the minus strand). VCF-style (leftmost placement, unchanged base first): chr7-150977836-A-AC. GRCh37 (hg19) VCF-style: chr7-150674924-A-AC.
Other names: c.76+1dup (NM_172056.3); c.76+1dupG (NM_000238.3).
Identifiers: ClinVar variation 1211558 (VCV001211558.7), dbSNP rs2117072537, ClinGen allele CA2499218816.

ClinVar aggregate classification (germline): Likely pathogenic. Review status: criteria provided, multiple submitters, no conflicts (2 of 4 stars). 2 submissions from 2 submitters: Likely pathogenic (2). Last evaluated 2024-12-24.

Conditions:
Cardiovascular phenotype. Identifiers: MedGen CN230736.

Submissions (2):

Ambry Genetics
Classification: Likely pathogenic for Cardiovascular phenotype. Last evaluated: 2024-12-24. Review status: criteria provided, single submitter. Criteria: Ambry Variant Classification Scheme 2023. Collection method: clinical testing. Allele origin: germline.
Comment: The c.76+1dupG variant results from a duplication of 1 nucleotide at position c.76+1 and involves the canonical splice donor site after coding exon 1 of the KCNH2 gene. This variant was reported in individual(s) with features consistent with long QT syndrome (LQTS) (Ambry internal data). This variant is considered to be rare based on population cohorts in the Genome Aggregation Database (gnomAD). The canonical splice donor site is highly conserved in available vertebrate species. In silico splice site analysis predicts that this alteration will weaken the native splice donor site and will result in the creation or strengthening of a novel splice donor site; however, the exact impact of this duplication on KCNH2 splicing and function is currently unknown. Alterations that disrupt the canonical splice site are expected to cause aberrant splicing, resulting in an abnormal protein or a transcript that is subject to nonsense-mediated mRNA decay. As such, this alteration is classified as likely pathogenic.

GeneDx
Classification: Likely pathogenic. Last evaluated: 2019-05-30. Review status: criteria provided, single submitter. Criteria: GeneDx Variant Classification Process June 2021. Collection method: clinical testing. Allele origin: germline. Affected: yes.
Comment: Has not been previously published as pathogenic or benign to our knowledge; Not observed in large population cohorts (Lek et al., 2016); Canonical splice site variant in a gene for which loss-of-function is a known mechanism of disease